The following is an entry in ClinVar:

NM_000088.4(COL1A1):c.3737G>A (p.Arg1246Gln)

Gene: COL1A1 (collagen type I alpha 1 chain; minus strand). Cytogenetic location: 17q21.33.
Variant type: single nucleotide variant.
Coding change: c.3737G>A on transcript NM_000088.4 (MANE Select); coding-DNA position 3737, G replaced by A.
Protein change: p.Arg1246Gln; replaces arginine 1246 with glutamine.
Molecular consequence: missense variant.
Genome position (GRCh38, 1-based): chr17:50,186,717, C>T on the plus strand (G>A on the coding strand, the complement: COL1A1 is on the minus strand). VCF-style: chr17-50186717-C-T. GRCh37 (hg19) VCF-style: chr17-48264078-C-T.
Other names: short protein forms R1246Q.
Identifiers: ClinVar variation 3004633 (VCV003004633.6), dbSNP rs376524129, ClinGen allele CA8644369.

ClinVar aggregate classification (germline): Conflicting classifications of pathogenicity. Review status: criteria provided, conflicting classifications (1 of 4 stars). 4 submissions from 4 submitters: Uncertain significance (1); Benign (1); Likely benign (2). Last evaluated 2026-06-16.

Conditions:
Osteogenesis imperfecta type I (OI1). Also called: OI, TYPE I; OSTEOGENESIS IMPERFECTA TARDA; OSTEOGENESIS IMPERFECTA WITH BLUE SCLERAE; Osteogenesis imperfecta type 1; Lobstein's Disease; Lobstein disease. Identifiers: Orphanet 216796, Orphanet 666, MedGen C0023931, MONDO:0008146, OMIM 166200. Disease mechanism: loss of function.
Cardiovascular phenotype. Identifiers: MedGen CN230736.
COL1A1-related disorder. Also called: COL1A1- related disease; COL1A1-related condition.

Allele frequency attached by ClinVar (database versions not stated): gnomAD 0.00003; TOPMed 0.00003; gnomAD exomes 0.00004; ExAC 0.00012; 1000 Genomes Project 30x 0.00016; 1000 Genomes Project 0.00020.
gnomAD v4.1: 57 of 1,613,674 alleles (0.0035%); highest among the groups gnomAD compares: East Asian, 0.056%; no homozygotes.

Submissions (4):

PreventionGenetics, part of Exact Sciences
Classification: Likely benign for COL1A1-related condition. Last evaluated: 2026-06-16. Review status: criteria provided, single submitter. Criteria: ACMG Guidelines, 2015. Collection method: clinical testing. Allele origin: germline.
Comment: This variant is classified as likely benign based on ACMG/AMP sequence variant interpretation guidelines (Richards et al. 2015 PMID: 25741868, with internal and published modifications).

Ambry Genetics
Classification: Uncertain significance for Cardiovascular phenotype. Last evaluated: 2026-02-14. Review status: criteria provided, single submitter. Criteria: Ambry Variant Classification Scheme 2023. Collection method: clinical testing. Allele origin: germline.
Comment: The p.R1246Q variant (also known as c.3737G>A), located in coding exon 48 of the COL1A1 gene, results from a G to A substitution at nucleotide position 3737. The arginine at codon 1246 is replaced by glutamine, an amino acid with highly similar properties. This amino acid position is conserved. In addition, the in silico prediction for this alteration is inconclusive. Based on the available evidence, the clinical significance of this variant remains unclear.

Labcorp Genetics (formerly Invitae), Labcorp
Classification: Benign for Osteogenesis imperfecta type I. Last evaluated: 2025-09-03. Review status: criteria provided, single submitter. Criteria: Invitae Variant Classification Sherloc (09022015). Collection method: clinical testing. Allele origin: germline.

Blueprint Genetics
Classification: Likely benign. Last evaluated: 2022-04-08. Review status: criteria provided, single submitter. Criteria: ACMG Guidelines, 2015. Collection method: clinical testing. Allele origin: germline.